The following is an entry in ClinVar:

NM_001384479.1(AGT):c.103G>A (p.Val35Ile)

Gene: AGT (angiotensinogen; minus strand). Cytogenetic location: 1q42.2.
Variant type: single nucleotide variant.
Coding change: c.103G>A on transcript NM_001384479.1 (MANE Select); coding-DNA position 103, G replaced by A.
Protein change: p.Val35Ile; replaces valine 35 with isoleucine.
Molecular consequence: missense variant.
Genome position (GRCh38, 1-based): chr1:230,710,721, C>T on the plus strand (G>A on the coding strand, the complement: AGT is on the minus strand). VCF-style: chr1-230710721-C-T. GRCh37 (hg19) VCF-style: chr1-230846467-C-T.
Other names: c.103G>A, p.Val35Ile (NM_001382817.3); short protein forms V35I.
Identifiers: ClinVar variation 2153903 (VCV002153903.3), dbSNP rs146773738, ClinGen allele CA1448380.

ClinVar aggregate classification (germline): Uncertain significance. Review status: criteria provided, multiple submitters, no conflicts (2 of 4 stars). 2 submissions from 2 submitters: Uncertain significance (2). Last evaluated 2024-01-16.

Conditions:
Renal tubular dysgenesis of genetic origin. Also called: PRIMITIVE RENAL TUBULE SYNDROME. Identifiers: Orphanet 97369, MedGen C5681536, MONDO:0009970, OMIM 267430.

Allele frequency attached by ClinVar (database versions not stated): gnomAD exomes 0.00001; ExAC 0.00002; ESP Exome Variant Server 0.00015.
gnomAD v4.1: 22 of 1,613,954 alleles (0.0014%); highest among the groups gnomAD compares: African/African-American, 0.021%; no homozygotes.

Submissions (2):

Fulgent Genetics
Classification: Uncertain significance for Renal tubular dysgenesis of genetic origin. Last evaluated: 2024-01-16. Review status: criteria provided, single submitter. Criteria: ACMG Guidelines, 2015. Collection method: clinical testing. Allele origin: germline.

Labcorp Genetics (formerly Invitae), Labcorp
Classification: Uncertain significance. Last evaluated: 2022-02-21. Review status: criteria provided, single submitter. Criteria: Invitae Variant Classification Sherloc (09022015). Collection method: clinical testing. Allele origin: germline.
Comment: In summary, the available evidence is currently insufficient to determine the role of this variant in disease. Therefore, it has been classified as a Variant of Uncertain Significance. Advanced modeling of protein sequence and biophysical properties (such as structural, functional, and spatial information, amino acid conservation, physicochemical variation, residue mobility, and thermodynamic stability) performed at Invitae indicates that this missense variant is not expected to disrupt AGT protein function. This variant has not been reported in the literature in individuals affected with AGT-related conditions. This variant is present in population databases (rs146773738, gnomAD 0.03%). This sequence change replaces valine, which is neutral and non-polar, with isoleucine, which is neutral and non-polar, at codon 44 of the AGT protein (p.Val44Ile).